The following is an entry in ClinVar:

NM_201384.3(PLEC):c.6908A>G (p.Gln2303Arg)

Gene: PLEC (plectin; minus strand). Cytogenetic location: 8q24.3.
Variant type: single nucleotide variant.
Coding change: c.6908A>G on transcript NM_201384.3 (MANE Select); coding-DNA position 6908, A replaced by G.
Protein change: p.Gln2303Arg; replaces glutamine 2303 with arginine.
Molecular consequence: missense variant.
Genome position (GRCh38, 1-based): chr8:143,923,021, T>C on the plus strand (A>G on the coding strand, the complement: PLEC is on the minus strand). VCF-style: chr8-143923021-T-C. GRCh37 (hg19) VCF-style: chr8-144997189-T-C.
Other names: c.6989A>G, p.Gln2330Arg (NM_000445.5); c.6866A>G, p.Gln2289Arg (NM_201378.4); c.6842A>G, p.Gln2281Arg (NM_201379.3); c.7319A>G, p.Gln2440Arg (NM_201380.4); c.6812A>G, p.Gln2271Arg (NM_201381.3); c.6908A>G, p.Gln2303Arg (NM_201382.4); c.6920A>G, p.Gln2307Arg (NM_201383.3); short protein forms Q2271R, Q2307R, Q2281R, Q2289R, Q2303R, Q2330R, Q2440R.
Identifiers: ClinVar variation 854553 (VCV000854553.7), dbSNP rs1823437554, ClinGen allele CA372531643.

ClinVar aggregate classification (germline): Uncertain significance (1 of 4 stars; one submission).

Conditions:
Autosomal recessive limb-girdle muscular dystrophy type 2Q (LGMDR17). Also called: MUSCULAR DYSTROPHY, LIMB-GIRDLE, AUTOSOMAL RECESSIVE 17. Identifiers: Orphanet 254361, MedGen C3150989, MONDO:0013390, OMIM 613723.
Epidermolysis bullosa simplex 5B, with muscular dystrophy (EBS5B). Also called: Epidermolysis bullosa simplex with muscular dystrophy; EPIDERMOLYSIS BULLOSA SIMPLEX AND LIMB-GIRDLE MUSCULAR DYSTROPHY. Identifiers: Orphanet 257, MedGen C2931072, MONDO:0009181, OMIM 226670.
Epidermolysis bullosa simplex, Ogna type (EBS5A). Also called: Pidermolysis bullosa simplex 5A, Ogna type; EPIDERMOLYSIS BULLOSA SIMPLEX 5A, OGNA TYPE. Identifiers: Orphanet 79401, MedGen C0432317, MONDO:0007555, OMIM 131950.
Epidermolysis bullosa simplex 5C, with pyloric atresia (EBS5C). Also called: PLEC1-Related Epidermolysis Bullosa with Pyloric Atresia; Epidermolysis bullosa simplex with pyloric atresia; PLEC-Related Epidermolysis Bullosa with Pyloric Atresia. Identifiers: Orphanet 158684, MedGen C2677349, MONDO:0012807, OMIM 612138.
Epidermolysis bullosa simplex with nail dystrophy (EBS5D). Identifiers: MedGen C4225309, MONDO:0014661, OMIM 616487.

Allele frequency attached by ClinVar (database versions not stated): gnomAD exomes below 0.00001.
gnomAD v4.1: 2 of 1,611,956 alleles (0.00012%); highest among the groups gnomAD compares: Non-Finnish European, 0.000085%; no homozygotes.

Submission:

Labcorp Genetics (formerly Invitae), Labcorp
Classification: Uncertain significance for Autosomal recessive limb-girdle muscular dystrophy type 2Q; Epidermolysis bullosa simplex, Ogna type; Epidermolysis bullosa simplex with nail dystrophy; Epidermolysis bullosa simplex 5C, with pyloric atresia; Epidermolysis bullosa simplex 5B, with muscular dystrophy. Last evaluated: 2023-04-13. Review status: criteria provided, single submitter. Criteria: Invitae Variant Classification Sherloc (09022015). Collection method: clinical testing. Allele origin: germline.
Comment: In summary, the available evidence is currently insufficient to determine the role of this variant in disease. Therefore, it has been classified as a Variant of Uncertain Significance. Advanced modeling of protein sequence and biophysical properties (such as structural, functional, and spatial information, amino acid conservation, physicochemical variation, residue mobility, and thermodynamic stability) performed at Invitae indicates that this missense variant is not expected to disrupt PLEC protein function. ClinVar contains an entry for this variant (Variation ID: 854553). This variant has not been reported in the literature in individuals affected with PLEC-related conditions. This variant is not present in population databases (gnomAD no frequency). This sequence change replaces glutamine, which is neutral and polar, with arginine, which is basic and polar, at codon 2330 of the PLEC protein (p.Gln2330Arg).